The following is an entry in ClinVar:

ClinVar aggregate classification (germline): Uncertain significance (1 of 4 stars; one submission).

Submission:

GeneDx
Classification: Uncertain significance. Last evaluated: 2024-04-19. Review status: criteria provided, single submitter. Criteria: GeneDx Variant Classification Process June 2021. Collection method: clinical testing. Allele origin: germline. Affected: yes.
Comment: Not observed at significant frequency in large population cohorts (gnomAD); In silico analysis indicates that this missense variant does not alter protein structure/function; Has not been previously published as pathogenic or benign to our knowledge

NM_015021.3(ZNF292):c.7044T>G (p.Ile2348Met)

Gene: ZNF292 (zinc finger protein 292; plus strand). Cytogenetic location: 6q14.3.
Variant type: single nucleotide variant.
Coding change: c.7044T>G on transcript NM_015021.3 (MANE Select); coding-DNA position 7044, T replaced by G.
Protein change: p.Ile2348Met; replaces isoleucine 2348 with methionine.
Molecular consequence: missense variant.
Genome position (GRCh38, 1-based): chr6:87,260,673, T>G. VCF-style: chr6-87260673-T-G. GRCh37 (hg19) VCF-style: chr6-87970391-T-G.
Other names: c.6624T>G, p.Ile2208Met (NM_001351444.2); short protein forms I2208M, I2348M.
Identifiers: ClinVar variation 3372593 (VCV003372593.1).